The following is an entry in ClinVar:

NM_001673.5(ASNS):c.1610G>A (p.Trp537Ter)

Genes: ASNS (asparagine synthetase (glutamine-hydrolyzing); minus strand), CZ1P-ASNS (CZ1P-ASNS readthrough; minus strand). Cytogenetic location: 7q21.3.
Variant type: single nucleotide variant.
Coding change: c.1610G>A on transcript NM_001673.5 (MANE Select); coding-DNA position 1610, G replaced by A.
Protein change: p.Trp537Ter; replaces tryptophan 537 with a stop codon.
Molecular consequence: nonsense. On other transcripts: non-coding transcript variant (1).
Genome position (GRCh38, 1-based): chr7:97,852,335, C>T on the plus strand (G>A on the coding strand, the complement: ASNS is on the minus strand). VCF-style: chr7-97852335-C-T. GRCh37 (hg19) VCF-style: chr7-97481647-C-T.
Other names: c.1547G>A, p.Trp516Ter (NM_001178075.2); c.1361G>A, p.Trp454Ter (NM_001178076.2, NM_001178077.1); c.1610G>A, p.Trp537Ter (NM_001352496.2, NM_133436.3, NM_183356.4); short protein forms W454*, W516*, W537*.
Identifiers: ClinVar variation 1455753 (VCV001455753.7), dbSNP rs752951804, ClinGen allele CA368264101.

ClinVar aggregate classification (germline): Pathogenic. Review status: criteria provided, multiple submitters, no conflicts (2 of 4 stars). 2 submissions from 2 submitters: Pathogenic (2). Last evaluated 2026-02-17.

Conditions:
Congenital microcephaly - severe encephalopathy - progressive cerebral atrophy syndrome. Also called: ASNS DEFICIENCY; Asparagine synthetase deficiency. Identifiers: Orphanet 391376, MedGen C3809971, MONDO:0014258, OMIM 615574.

Allele frequency attached by ClinVar (database versions not stated): gnomAD exomes below 0.00001.

Submissions (2):

Women's Health and Genetics/Laboratory Corporation of America, LabCorp
Classification: Pathogenic for Congenital microcephaly - severe encephalopathy - progressive cerebral atrophy syndrome. Last evaluated: 2026-02-17. Review status: criteria provided, single submitter. Criteria: LabCorp Variant Classification Summary - May 2015. Collection method: clinical testing. Allele origin: germline.
Comment: Variant summary: ASNS c.1610G>A (p.Trp537X) results in a premature termination codon in the last exon, predicted to cause a truncation of the encoded protein, however, nonsense mediated decay is not expected to occur. The variant allele was found at a frequency of 4e-06 in 251426 control chromosomes. To our knowledge, no occurrence of c.1610G>A in individuals affected with ASNS-related conditions and no experimental evidence demonstrating its impact on protein function have been reported. At least one downstream variant has been classified as Pathogenic/Likely Pathogenic (c.1648C>T, p.Arg550Cys) by our lab, providing evidence that the region altered by the variant is critical to protein function. ClinVar contains an entry for this variant (Variation ID: 1455753). Based on the evidence outlined above, the variant was classified as pathogenic.

Labcorp Genetics (formerly Invitae), Labcorp
Classification: Pathogenic. Last evaluated: 2021-12-12. Review status: criteria provided, single submitter. Criteria: Invitae Variant Classification Sherloc (09022015). Collection method: clinical testing. Allele origin: germline.
Comment: This sequence change creates a premature translational stop signal (p.Trp537*) in the ASNS gene. While this is not anticipated to result in nonsense mediated decay, it is expected to disrupt the last 25 amino acid(s) of the ASNS protein. This variant is present in population databases (no rsID available, gnomAD 0.0009%). For these reasons, this variant has been classified as Pathogenic. This variant disrupts a region of the ASNS protein in which other variant(s) (p.Arg550His) have been determined to be pathogenic (PMID: 29405484, 32255274). This suggests that this is a clinically significant region of the protein, and that variants that disrupt it are likely to be disease-causing. This variant has not been reported in the literature in individuals affected with ASNS-related conditions.

Literature cited by the submitters: PubMed 29405484 (cited by Labcorp Genetics (formerly Invitae), Labcorp); PubMed 32255274 (cited by Labcorp Genetics (formerly Invitae), Labcorp).